The following is an entry in ClinVar:

ClinVar aggregate classification (germline): Uncertain significance. Review status: criteria provided, multiple submitters, no conflicts (2 of 4 stars). 2 submissions from 2 submitters: Uncertain significance (2). Last evaluated 2025-12-09.

Conditions:
ACACB-related disorder. Also called: ACACB-related condition.

Allele frequency attached by ClinVar (database versions not stated): gnomAD exomes 0.00002; ExAC 0.00004; gnomAD 0.00021; ESP Exome Variant Server 0.00023.
gnomAD v4.1: 57 of 1,614,042 alleles (0.0035%); highest among the groups gnomAD compares: African/African-American, 0.061%; no homozygotes.

Submissions (2):

PreventionGenetics, part of Exact Sciences
Classification: Uncertain significance for ACACB-related condition. Last evaluated: 2025-12-09. Review status: criteria provided, single submitter. Criteria: ACMG Guidelines, 2015. Collection method: clinical testing. Allele origin: germline.
Comment: The ACACB c.6484G>A variant is predicted to result in the amino acid substitution p.Gly2162Ser. To our knowledge, this variant has not been reported in the literature. This variant is reported in 0.064% of alleles in individuals of African descent in gnomAD. Although we suspect that this variant may be benign, at this time, the clinical significance of this variant is uncertain due to the absence of conclusive functional and genetic evidence.

Ambry Genetics
Classification: Uncertain significance. Last evaluated: 2025-03-17. Review status: criteria provided, single submitter. Criteria: Ambry Variant Classification Scheme 2023. Collection method: clinical testing. Allele origin: germline.

NM_001093.4(ACACB):c.6484G>A (p.Gly2162Ser)

Gene: ACACB (acetyl-CoA carboxylase beta; plus strand). Cytogenetic location: 12q24.11.
Variant type: single nucleotide variant.
Coding change: c.6484G>A on transcript NM_001093.4 (MANE Select); coding-DNA position 6484, G replaced by A.
Protein change: p.Gly2162Ser; replaces glycine 2162 with serine.
Molecular consequence: missense variant.
Genome position (GRCh38, 1-based): chr12:109,259,096, G>A. VCF-style: chr12-109259096-G-A. GRCh37 (hg19) VCF-style: chr12-109696901-G-A.
Other names: c.6484G>A, p.Gly2162Ser (NM_001412734.1, NM_001412735.1); c.5878G>A, p.Gly1960Ser (NM_001412736.1); c.5857G>A, p.Gly1953Ser (NM_001412737.1); c.5689G>A, p.Gly1897Ser (NM_001412738.1); short protein forms G1897S, G2162S, G1953S, G1960S.
Identifiers: ClinVar variation 2332094 (VCV002332094.4), dbSNP rs148052616, ClinGen allele CA6775102.